The following is an entry in ClinVar:

ClinVar aggregate classification (germline): Uncertain significance. Review status: criteria provided, multiple submitters, no conflicts (2 of 4 stars). 4 submissions from 4 submitters: Uncertain significance (4). Last evaluated 2025-09-26.

Conditions:
Hemolytic anemia due to pyrimidine 5' nucleotidase deficiency (CNSHA8). Also called: HEMOLYTIC ANEMIA DUE TO P5N DEFICIENCY; HEMOLYTIC ANEMIA DUE TO UMPH1 DEFICIENCY; P5N DEFICIENCY; PYRIMIDINE 5-PRIME NUCLEOTIDASE DEFICIENCY, HEMOLYTIC ANEMIA DUE TO; UMPH1 DEFICIENCY. Identifiers: Orphanet 35120, MedGen C1849507, MONDO:0009946, OMIM 266120.

Allele frequency attached by ClinVar (database versions not stated): gnomAD 0.00001; gnomAD exomes 0.00001; TOPMed 0.00001; ExAC 0.00003.
gnomAD v4.1: 17 of 1,610,794 alleles (0.0011%); highest among the groups gnomAD compares: Non-Finnish European, 0.00025%; no homozygotes.

Submissions (4):

Ambry Genetics
Classification: Uncertain significance. Last evaluated: 2025-09-26. Review status: criteria provided, single submitter. Criteria: Ambry Variant Classification Scheme 2023. Collection method: clinical testing. Allele origin: germline.

Labcorp Genetics (formerly Invitae), Labcorp
Classification: Uncertain significance. Last evaluated: 2024-03-20. Review status: criteria provided, single submitter. Criteria: Invitae Variant Classification Sherloc (09022015). Collection method: clinical testing. Allele origin: germline.
Comment: This sequence change replaces leucine, which is neutral and non-polar, with proline, which is neutral and non-polar, at codon 236 of the NT5C3A protein (p.Leu236Pro). This variant is present in population databases (rs773645018, gnomAD 0.06%). This variant has not been reported in the literature in individuals affected with NT5C3A-related conditions. ClinVar contains an entry for this variant (Variation ID: 2434454). Advanced modeling of protein sequence and biophysical properties (such as structural, functional, and spatial information, amino acid conservation, physicochemical variation, residue mobility, and thermodynamic stability) performed at Invitae indicates that this missense variant is expected to disrupt NT5C3A protein function with a positive predictive value of 80%. In summary, the available evidence is currently insufficient to determine the role of this variant in disease. Therefore, it has been classified as a Variant of Uncertain Significance.

Mayo Clinic Laboratories, Mayo Clinic
Classification: Uncertain significance. Last evaluated: 2023-05-23. Review status: criteria provided, single submitter. Criteria: ACMG Guidelines, 2015. Collection method: clinical testing. Allele origin: germline. Observed: 1 variant allele.
Comment: PP3, PM2

Revvity Omics, Revvity
Classification: Uncertain significance for Hemolytic anemia due to pyrimidine 5' nucleotidase deficiency. Last evaluated: 2023-05-19. Review status: criteria provided, single submitter. Criteria: ACMG Guidelines, 2015. Collection method: clinical testing. Allele origin: germline.

NM_001002010.5(NT5C3A):c.809T>C (p.Leu270Pro)

Gene: NT5C3A (5'-nucleotidase, cytosolic IIIA; minus strand). Cytogenetic location: 7p14.3.
Variant type: single nucleotide variant.
Coding change: c.809T>C on transcript NM_001002010.5 (MANE Select); coding-DNA position 809, T replaced by C.
Protein change: p.Leu270Pro; replaces leucine 270 with proline.
Molecular consequence: missense variant. On other transcripts: intron variant (1).
Genome position (GRCh38, 1-based): chr7:33,015,755, A>G on the plus strand (T>C on the coding strand, the complement: NT5C3A is on the minus strand). VCF-style: chr7-33015755-A-G. GRCh37 (hg19) VCF-style: chr7-33055367-A-G.
Other names: p.Leu270Pro; c.707T>C, p.Leu236Pro (NM_001002009.3, NM_016489.14); c.671T>C, p.Leu224Pro (NM_001166118.3, NM_001356996.3, NM_001374336.1 and 1 more transcripts); c.710T>C, p.Leu237Pro (NM_001374335.1); c.608T>C, p.Leu203Pro (NM_001374339.1); c.694-924T>C (NM_001374338.1); c.809T>C (NM_001002010.4); c.707T>C (NM_016489.11); short protein forms L203P, L224P, L236P, L237P, L270P.
Identifiers: ClinVar variation 2434454 (VCV002434454.7), dbSNP rs773645018, ClinGen allele CA4213311.
Genomic context (GRCh38, chr7:33,015,755, plus strand): 5'-AGAATGTGCTCAACATTGGCCACTCCATCTGCCATTCTTAAGTCTCCTTGGGAGTCTCCC[A>G]GAAGAATTATGTTACTATTGTCTTTTAGTTGATTGAAATATTCTGTATTCCTCAAGGCAC-3'
Protein context (NP_001002010.2, residues 260-280): QLKDNSNIIL[Leu270Pro]GDSQGDLRMA